The following is an entry in ClinVar:

NM_000321.3(RB1):c.608-10T>C

Gene: RB1 (RB transcriptional corepressor 1; plus strand). Cytogenetic location: 13q14.2.
Variant type: single nucleotide variant.
Coding change: c.608-10T>C on transcript NM_000321.3 (MANE Select); 10 bases into the intron before coding-DNA position 608, T replaced by C.
Molecular consequence: intron variant.
Genome position (GRCh38, 1-based): chr13:48,360,007, T>C. VCF-style: chr13-48360007-T-C. GRCh37 (hg19) VCF-style: chr13-48934143-T-C.
Identifiers: ClinVar variation 416494 (VCV000416494.11), dbSNP rs1039235140, ClinGen allele CA16614000.

ClinVar aggregate classification (germline): Likely benign. Review status: criteria provided, multiple submitters, no conflicts (2 of 4 stars). 3 submissions from 3 submitters: Likely benign (3). Last evaluated 2026-06-18.

Conditions:
Retinoblastoma (RB1). Also called: RETINOBLASTOMA, SOMATIC. Identifiers: Orphanet 790, MedGen C0035335, MeSH D012175, MONDO:0008380, OMIM 180200, HP:0009919. Disease mechanism: loss of function. Inheritance: Both sporadic and heritable forms are tested..

Allele frequency attached by ClinVar (database versions not stated): gnomAD exomes below 0.00001; TOPMed 0.00001.
gnomAD v4.1: 3 of 1,611,392 alleles (0.00019%); highest among the groups gnomAD compares: Admixed American, 0.0017%; no homozygotes.

Submissions (3):

Myriad Genetics, Inc.
Classification: Likely benign for Retinoblastoma. Last evaluated: 2026-06-18. Review status: criteria provided, single submitter. Criteria: Myriad Autosomal Dominant, Autosomal Recessive and X-Linked Classification Criteria (2023). Collection method: clinical testing. Allele origin: unknown.
Comment: This variant is considered likely benign. This variant is intronic and is not expected to impact mRNA splicing.

Labcorp Genetics (formerly Invitae), Labcorp
Classification: Likely benign for Retinoblastoma. Last evaluated: 2025-07-29. Review status: criteria provided, single submitter. Criteria: Invitae Variant Classification Sherloc (09022015). Collection method: clinical testing. Allele origin: germline.

Color Diagnostics, LLC DBA Color Health
Classification: Likely benign for Retinoblastoma. Last evaluated: 2025-06-29. Review status: criteria provided, single submitter. Criteria: ACMG Guidelines, 2015. Collection method: clinical testing. Allele origin: germline.